The following is an entry in ClinVar:

ClinVar aggregate classification (germline): Uncertain significance (1 of 4 stars; one submission).

Submission:

GeneDx
Classification: Uncertain significance. Last evaluated: 2025-08-07. Review status: criteria provided, single submitter. Criteria: GeneDx Variant Classification Process June 2021. Collection method: clinical testing. Allele origin: germline. Affected: yes.
Comment: Not observed at significant frequency in large population cohorts (gnomAD); In silico analysis suggests that this missense variant does not alter protein structure/function; Has not been previously published as pathogenic or benign to our knowledge

NM_170606.3(KMT2C):c.724T>G (p.Leu242Val)

Gene: KMT2C (lysine methyltransferase 2C; minus strand). Cytogenetic location: 7q36.1.
Variant type: single nucleotide variant.
Coding change: c.724T>G on transcript NM_170606.3 (MANE Select); coding-DNA position 724, T replaced by G.
Protein change: p.Leu242Val; replaces leucine 242 with valine.
Molecular consequence: missense variant.
Genome position (GRCh38, 1-based): chr7:152,311,813, A>C on the plus strand (T>G on the coding strand, the complement: KMT2C is on the minus strand). VCF-style: chr7-152311813-A-C. GRCh37 (hg19) VCF-style: chr7-152008898-A-C.
Other names: short protein forms L242V.
Identifiers: ClinVar variation 4755980 (VCV004755980.1).